The following is an entry in ClinVar:

ClinVar aggregate classification (germline): Benign (1 of 4 stars; one submission).

Conditions:
Familial cancer of breast. Also called: hereditary breast carcinoma; BREAST CANCER, FAMILIAL; Hereditary breast cancer. Identifiers: Orphanet 227535, MedGen C0346153, MONDO:0016419, OMIM 114480. Disease mechanism: loss of function.

Submission:

Myriad Genetics, Inc.
Classification: Benign for Familial cancer of breast. Last evaluated: 2024-06-18. Review status: criteria provided, single submitter. Criteria: Myriad Autosomal Dominant, Autosomal Recessive and X-Linked Classification Criteria (2023). Collection method: clinical testing. Allele origin: unknown.
Comment: This variant is considered benign. This variant is a silent/synonymous amino acid change and it is not expected to impact splicing.

NM_000051.4(ATM):c.8247A>G (p.Lys2749=)

Genes: ATM (ATM serine/threonine kinase; plus strand), C11orf65 (chromosome 11 open reading frame 65; minus strand). Cytogenetic location: 11q22.3.
Variant type: single nucleotide variant.
Coding change: c.8247A>G on transcript NM_000051.4 (MANE Select); coding-DNA position 8247, A replaced by G.
Protein change: p.Lys2749=; no amino-acid change (lysine 2749 retained).
Molecular consequence: synonymous variant. On other transcripts: intron variant (2).
Genome position (GRCh38, 1-based): chr11:108,335,940, A>G. VCF-style: chr11-108335940-A-G. GRCh37 (hg19) VCF-style: chr11-108206667-A-G.
Other names: c.8247A>G, p.Lys2749= (NM_001351834.2); c.641-26869T>C (NM_001330368.2); c.695-648T>C (NM_001351110.2).
Identifiers: ClinVar variation 3253863 (VCV003253863.1), dbSNP rs2547348446.